The following is an entry in ClinVar:

ClinVar aggregate classification (germline): Conflicting classifications of pathogenicity. Review status: criteria provided, conflicting classifications (1 of 4 stars). 3 submissions from 3 submitters: Uncertain significance (2); Likely benign (1). Last evaluated 2023-10-13.

Conditions:
Hereditary cancer-predisposing syndrome. Also called: Neoplastic Syndromes, Hereditary; Hereditary neoplastic syndrome; Tumor predisposition; Hereditary Cancer Syndrome. Identifiers: Orphanet 140162, MedGen C0027672, MeSH D009386, MONDO:0015356.

Allele frequency attached by ClinVar (database versions not stated): gnomAD 0.00001.
gnomAD v4.1: 2 of 1,613,702 alleles (0.00012%); highest among the groups gnomAD compares: African/African-American, 0.0027%; no homozygotes.

Submissions (3):

Women's Health and Genetics/Laboratory Corporation of America, LabCorp
Classification: Uncertain significance. Last evaluated: 2023-10-13. Review status: criteria provided, single submitter. Criteria: LabCorp Variant Classification Summary - May 2015. Collection method: clinical testing. Allele origin: germline.

University of Washington Department of Laboratory Medicine, University of Washington
Classification: Likely benign for Hereditary cancer-predisposing syndrome. Last evaluated: 2023-03-23. Review status: criteria provided, single submitter. Criteria: Dines et al. (Genet Med. 2020). Collection method: curation. Allele origin: germline.
Comment: Missense variant in a coldspot region where missense variants are very unlikely to be pathogenic (PMID:31911673).

BRCA1 coldspot (exon 11 using historical exon numbering). Reclassification based on statistical prior probability

Quest Diagnostics Nichols Institute San Juan Capistrano
Classification: Uncertain significance. Last evaluated: 2019-07-16. Review status: criteria provided, single submitter. Criteria: Quest Diagnostics criteria. Collection method: clinical testing. Allele origin: germline.

NM_007294.4(BRCA1):c.1541C>T (p.Pro514Leu)

Gene: BRCA1 (BRCA1 DNA repair associated; minus strand). Cytogenetic location: 17q21.31.
Variant type: single nucleotide variant.
Coding change: c.1541C>T on transcript NM_007294.4 (MANE Select); coding-DNA position 1541, C replaced by T.
Protein change: p.Pro514Leu; replaces proline 514 with leucine.
Molecular consequence: missense variant. On other transcripts: intron variant (137).
Genome position (GRCh38, 1-based): chr17:43,093,990, G>A on the plus strand (C>T on the coding strand, the complement: BRCA1 is on the minus strand). VCF-style: chr17-43093990-G-A. GRCh37 (hg19) VCF-style: chr17-41246007-G-A.
Other names: c.1538C>T, p.Pro513Leu (NM_001407632.1, NM_001407633.1, NM_001407637.1 and 22 more transcripts); c.1541C>T, p.Pro514Leu (NM_001407639.1, NM_001407652.1, NM_001407640.1 and 30 more transcripts); c.1415C>T, p.Pro472Leu (NM_001407649.1, NM_001407940.1, NM_001407941.1 and 11 more transcripts); c.1463C>T, p.Pro488Leu (NM_001407653.1, NM_001407654.1, NM_001407655.1 and 4 more transcripts); c.1532C>T, p.Pro511Leu (NM_001407646.1, NM_001407647.1); c.1418C>T, p.Pro473Leu (NM_001407648.1, NM_001407919.1, NM_001407937.1 and 19 more transcripts); c.1328C>T, p.Pro443Leu (NM_001407898.1, NM_001407899.1, NM_001407915.1 and 9 more transcripts); c.1331C>T, p.Pro444Leu (NM_001407900.1, NM_001407902.1, NM_001407904.1 and 13 more transcripts); and 40 more; short protein forms P514L, P467L, P402L, P426L, P443L, P487L, P218L, P386L.
Identifiers: ClinVar variation 619620 (VCV000619620.7), dbSNP rs56100707, ClinGen allele CA10598967.